The following is an entry in ClinVar:

NM_000179.3(MSH6):c.1602C>G (p.Asn534Lys)

Gene: MSH6 (mutS homolog 6; plus strand). Cytogenetic location: 2p16.3.
Variant type: single nucleotide variant.
Coding change: c.1602C>G on transcript NM_000179.3 (MANE Select); coding-DNA position 1602, C replaced by G.
Protein change: p.Asn534Lys; replaces asparagine 534 with lysine.
Molecular consequence: missense variant.
Genome position (GRCh38, 1-based): chr2:47,799,585, C>G. VCF-style: chr2-47799585-C-G. GRCh37 (hg19) VCF-style: chr2-48026724-C-G.
Other names: c.1212C>G, p.Asn404Lys (NM_001281492.2); c.696C>G, p.Asn232Lys (NM_001281493.2, NM_001281494.2); short protein forms N534K, N232K, N404K.
Identifiers: ClinVar variation 449925 (VCV000449925.24), dbSNP rs763712971, ClinGen allele CA46708424.

ClinVar aggregate classification (germline): Uncertain significance. Review status: criteria provided, multiple submitters, no conflicts (2 of 4 stars). 8 submissions from 8 submitters: Uncertain significance (8). Last evaluated 2025-07-09.

Conditions:
Lynch syndrome. Identifiers: Orphanet 144, MedGen C4552100, MONDO:0005835. Disease mechanism: loss of function.
Hereditary nonpolyposis colorectal neoplasms. Identifiers: MedGen C0009405, MeSH D003123.
Hereditary cancer-predisposing syndrome. Also called: Neoplastic Syndromes, Hereditary; Hereditary neoplastic syndrome; Hereditary Cancer Syndrome; Tumor predisposition. Identifiers: Orphanet 140162, MedGen C0027672, MeSH D009386, MONDO:0015356.
Endometrial carcinoma. Also called: Endometrial carcinoma, somatic. Identifiers: MedGen C0476089, MONDO:0002447, OMIM 608089, HP:0012114.

Submissions (8):

Labcorp Genetics (formerly Invitae), Labcorp
Classification: Uncertain significance for Hereditary nonpolyposis colorectal neoplasms. Last evaluated: 2025-07-09. Review status: criteria provided, single submitter. Criteria: Invitae Variant Classification Sherloc (09022015). Collection method: clinical testing. Allele origin: germline.
Comment: This sequence change replaces asparagine, which is neutral and polar, with lysine, which is basic and polar, at codon 534 of the MSH6 protein (p.Asn534Lys). This variant is not present in population databases (gnomAD no frequency). This variant has not been reported in the literature in individuals affected with MSH6-related conditions. ClinVar contains an entry for this variant (Variation ID: 449925). Invitae Evidence Modeling of protein sequence and biophysical properties (such as structural, functional, and spatial information, amino acid conservation, physicochemical variation, residue mobility, and thermodynamic stability) indicates that this missense variant is not expected to disrupt MSH6 protein function with a negative predictive value of 95%. In summary, the available evidence is currently insufficient to determine the role of this variant in disease. Therefore, it has been classified as a Variant of Uncertain Significance.

Ambry Genetics
Classification: Uncertain significance for Hereditary cancer-predisposing syndrome. Last evaluated: 2024-08-17. Review status: criteria provided, single submitter. Criteria: Ambry Variant Classification Scheme 2023. Collection method: clinical testing. Allele origin: germline.
Comment: The p.N534K variant (also known as c.1602C>G), located in coding exon 4 of the MSH6 gene, results from a C to G substitution at nucleotide position 1602. The asparagine at codon 534 is replaced by lysine, an amino acid with similar properties. This amino acid position is not well conserved in available vertebrate species. In addition, this alteration is predicted to be tolerated by in silico analysis. Since supporting evidence is limited at this time, the clinical significance of this alteration remains unclear.

Women's Health and Genetics/Laboratory Corporation of America, LabCorp
Classification: Uncertain significance. Last evaluated: 2024-04-25. Review status: criteria provided, single submitter. Criteria: LabCorp Variant Classification Summary - May 2015. Collection method: clinical testing. Allele origin: germline.

Color Diagnostics, LLC DBA Color Health
Classification: Uncertain significance for Hereditary cancer-predisposing syndrome. Last evaluated: 2023-12-05. Review status: criteria provided, single submitter. Criteria: ACMG Guidelines, 2015. Collection method: clinical testing. Allele origin: germline.
Comment: This missense variant replaces asparagine with lysine at codon 534 of the MSH6 protein. Computational prediction suggests that this variant may not impact protein structure and function (internally defined REVEL score threshold <= 0.5, PMID: 27666373). To our knowledge, functional studies have not been reported for this variant. This variant has not been reported in individuals affected with MSH6-related disorders in the literature. This variant has not been identified in the general population by the Genome Aggregation Database (gnomAD). The available evidence is insufficient to determine the role of this variant in disease conclusively. Therefore, this variant is classified as a Variant of Uncertain Significance.

Baylor Genetics
Classification: Uncertain significance for Endometrial carcinoma. Last evaluated: 2023-05-01. Review status: criteria provided, single submitter. Criteria: ACMG Guidelines, 2015. Collection method: clinical testing. Allele origin: unknown.

St. Jude Molecular Pathology, St. Jude Children's Research Hospital
Classification: Uncertain significance for Lynch syndrome. Last evaluated: 2020-10-15. Review status: criteria provided, single submitter. Criteria: St. Jude Assertion Criteria 2020. Collection method: clinical testing. Allele origin: germline.
Comment: The MSH6 c.1602C>G (p.Asn534Lys) missense change is absent in gnomAD v2.1.1 (PM2_Supporting). Six of seven in silico tools predict a benign effect of this variant on protein function (BP4), but these predictions have not been confirmed by functional studies. To our knowledge, this variant has not been reported in individuals with Lynch syndrome or CMMRD. In summary, this variant meets criteria to be classified as of uncertain significance based on the ACMG/AMP criteria: PM2_Supporting, BP4.

GeneDx
Classification: Uncertain significance. Last evaluated: 2017-04-10. Review status: criteria provided, single submitter. Criteria: GeneDx Variant Classification (06012015). Collection method: clinical testing. Allele origin: germline. Affected: yes.
Comment: This variant is denoted MSH6 c.1602C>G at the cDNA level, p.Asn534Lys (N534K) at the protein level, and results in the change of an Asparagine to a Lysine (AAC>AAG). This variant has not, to our knowledge, been published in the literature as pathogenic or benign. MSH6 Asn534Lys was not observed in large population cohorts (NHLBI Exome Sequencing Project, The 1000 Genomes Consortium 2015, Lek 2016). Since Asparagine and Lysine differ in some properties, this is considered a semi-conservative amino acid substitution. MSH6 Asn534Lys occurs at a position that is not conserved and is located in the connector domain (Warren 2007, Kansikas 2011). In silico analyses are inconsistent regarding the effect this variant may have on protein structure and function. Based on currently available evidence, it is unclear whether MSH6 Asn534Lys is a pathogenic or benign variant. We consider it to be a variant of uncertain significance.

PreventionGenetics, part of Exact Sciences
Classification: Uncertain significance. Last evaluated: 2017-03-09. Review status: criteria provided, single submitter. Criteria: ACMG Guidelines, 2015. Collection method: clinical testing. Allele origin: germline.